The following is an entry in ClinVar:

ClinVar aggregate classification (germline): Uncertain significance (1 of 4 stars; one submission).

Submission:

Labcorp Genetics (formerly Invitae), Labcorp
Classification: Uncertain significance. Last evaluated: 2021-12-13. Review status: criteria provided, single submitter. Criteria: Invitae Variant Classification Sherloc (09022015). Collection method: clinical testing. Allele origin: germline.
Comment: In summary, the available evidence is currently insufficient to determine the role of this variant in disease. Therefore, it has been classified as a Variant of Uncertain Significance. Algorithms developed to predict the effect of missense changes on protein structure and function (SIFT, PolyPhen-2, Align-GVGD) all suggest that this variant is likely to be tolerated. This variant has not been reported in the literature in individuals affected with HPS3-related conditions. This variant is not present in population databases (gnomAD no frequency). This sequence change replaces valine, which is neutral and non-polar, with alanine, which is neutral and non-polar, at codon 396 of the HPS3 protein (p.Val396Ala).

NM_032383.5(HPS3):c.1187T>C (p.Val396Ala)

Gene: HPS3 (HPS3 biogenesis of lysosomal organelles complex 2 subunit 1; plus strand). Cytogenetic location: 3q24.
Variant type: single nucleotide variant.
Coding change: c.1187T>C on transcript NM_032383.5 (MANE Select); coding-DNA position 1187, T replaced by C.
Protein change: p.Val396Ala; replaces valine 396 with alanine.
Molecular consequence: missense variant.
Genome position (GRCh38, 1-based): chr3:149,150,622, T>C. VCF-style: chr3-149150622-T-C. GRCh37 (hg19) VCF-style: chr3-148868409-T-C.
Other names: c.692T>C, p.Val231Ala (NM_001308258.2); short protein forms V396A, V231A.
Identifiers: ClinVar variation 1504918 (VCV001504918.6), dbSNP rs2108147073, ClinGen allele CA354917073.